The following is an entry in ClinVar:

ClinVar aggregate classification (germline): Pathogenic (1 of 4 stars; one submission).

Conditions:
Duchenne muscular dystrophy (DMD). Also called: Duchenne Muscular Dystrophy (DMD); MUSCULAR DYSTROPHY, PSEUDOHYPERTROPHIC PROGRESSIVE, DUCHENNE TYPE. Identifiers: Orphanet 98896, MedGen C0013264, MONDO:0010679, OMIM 310200.

Submission:

Labcorp Genetics (formerly Invitae), Labcorp
Classification: Pathogenic for Duchenne muscular dystrophy. Last evaluated: 2021-06-13. Review status: criteria provided, single submitter. Criteria: Invitae Variant Classification Sherloc (09022015). Collection method: clinical testing. Allele origin: germline.
Comment: For these reasons, this variant has been classified as Pathogenic. The region of the DMD gene that includes exon(s) 48 has been determined to be clinically significant (PMID: 2063877, 9007319, 25482253, 28247318). Therefore, deletions that encompass that region are likely to disrupt protein function and cause disease. This variant has not been reported in the literature in individuals with DMD-related conditions. This variant results in the deletion of exon(s) 46-49 and part of exon 50 (c.6615-11941_7280del) of the DMD gene. It is expected to disrupt RNA splicing. Variants that disrupt the donor or acceptor splice site typically lead to a loss of protein function (PMID: 16199547), and loss-of-function variants in DMD are known to be pathogenic (PMID: 16770791, 25007885).

Literature cited by the submitters: PubMed 2063877; PubMed 9007319; PubMed 25482253; PubMed 28247318; PubMed 16199547; PubMed 16770791; PubMed 25007885.

NC_000023.10:g.(?_31838121)_(31962285_?)del

Gene: DMD (dystrophin; minus strand). Cytogenetic location: Xp21.1.
Variant type: Deletion.
Identifiers: ClinVar variation 1458353 (VCV001458353.7).